The following is an entry in ClinVar:

NM_004393.6(DAG1):c.285+1G>A

Gene: DAG1 (dystroglycan 1; plus strand). Cytogenetic location: 3p21.31.
Variant type: single nucleotide variant.
Coding change: c.285+1G>A on transcript NM_004393.6 (MANE Select); the canonical splice donor site of the intron after coding-DNA position 285, G replaced by A.
Molecular consequence: splice donor variant.
Genome position (GRCh38, 1-based): chr3:49,510,820, G>A. VCF-style: chr3-49510820-G-A. GRCh37 (hg19) VCF-style: chr3-49548253-G-A.
Other names: c.285+1G>A (NM_001177643.3, NM_001177644.3, NM_001177634.3 and 9 more transcripts).
Identifiers: ClinVar variation 842859 (VCV000842859.7), dbSNP rs2050744878, ClinGen allele CA352801498.

ClinVar aggregate classification (germline): Pathogenic (1 of 4 stars; one submission).

Conditions:
Autosomal recessive limb-girdle muscular dystrophy type 2P. Also called: MUSCULAR DYSTROPHY, LIMB-GIRDLE, TYPE 2P; MUSCULAR DYSTROPHY-DYSTROGLYCANOPATHY, LIMB-GIRDLE, DAG1-RELATED; Limb-Girdle Muscular Dystrophy Type 9C. Identifiers: Orphanet 280333, MedGen C4511963, MONDO:0013440, OMIM 613818.
Muscular dystrophy-dystroglycanopathy (congenital with brain and eye anomalies), type A9. Also called: WALKER-WARBURG SYNDROME OR MUSCLE-EYE BRAIN DISEASE, DAG1-RELATED; Muscular dystrophy-dystroglycanopathy (congenital with brain and eye anomalies), type a, 9. Identifiers: Orphanet 370997, Orphanet 899, MedGen C4225291, MONDO:0014683, OMIM 616538.

Submission:

Labcorp Genetics (formerly Invitae), Labcorp
Classification: Pathogenic for Autosomal recessive limb-girdle muscular dystrophy type 2P; Muscular dystrophy-dystroglycanopathy (congenital with brain and eye anomalies), type A9. Last evaluated: 2020-08-14. Review status: criteria provided, single submitter. Criteria: Invitae Variant Classification Sherloc (09022015). Collection method: clinical testing. Allele origin: germline.
Comment: This variant disrupts the C-terminus of the DAG1 protein. Other variant(s) that disrupt this region (p.Gln147Argfs*21, p.Phe152Leufs*3) have been determined to be pathogenic (Invitae). This suggests that variants that disrupt this region of the protein are likely to be causative of disease. For these reasons, this variant has been classified as Pathogenic. Nucleotide substitutions within the consensus splice site are a relatively common cause of aberrant splicing (PMID: 17576681, 9536098). Algorithms developed to predict the effect of sequence changes on RNA splicing suggest that this variant may disrupt the consensus splice site, but this prediction has not been confirmed by published transcriptional studies. This variant has not been reported in the literature in individuals with DAG1-related conditions. This variant is not present in population databases (ExAC no frequency). This sequence change affects a donor splice site in the last intron (intron 2) of the DAG1 gene. While this is not anticipated to result in nonsense mediated decay, it likely alters RNA splicing and results in a disrupted protein product.

Literature cited by the submitters: PubMed 17576681; PubMed 9536098.